The following is an entry in ClinVar:

NM_005105.5(RBM8A):c.336_342+2del

Genes: RBM8A (RNA binding motif protein 8A; minus strand), LOC126805851 (MED14-independent group 3 enhancer GRCh37_chr1:145507474-145508673; plus strand). Cytogenetic location: 1q21.1.
Variant type: Deletion.
Coding change: c.336_342+2del on transcript NM_005105.5 (MANE Select); coding-DNA position 336 through the canonical splice donor site of the intron after coding-DNA position 342, 9 bases deleted (TCTGAAGGT; older notation c.336_342+2delTCTGAAGGT).
Molecular consequence: splice donor variant.
Genome position (GRCh38, 1-based): chr1:145,926,480-145,926,488, ACCTTCAGA deleted on the plus strand (TCTGAAGGT on the coding strand, the reverse complement: RBM8A is on the minus strand). VCF-style (leftmost placement, unchanged base first): chr1-145926479-TACCTTCAGA-T. GRCh37 (hg19) VCF-style: chr1-145508604-ATCTGAAGGT-A.
Identifiers: ClinVar variation 849849 (VCV000849849.8), dbSNP rs1648166006, ClinGen allele CA916081289.

ClinVar aggregate classification (germline): Likely pathogenic (1 of 4 stars; one submission).

Conditions:
Radial aplasia-thrombocytopenia syndrome (TAR). Also called: Thrombocytopenia Absent Radius Syndrome; TAR syndrome. Identifiers: Orphanet 3320, MedGen C0175703, MeSH C536940, MONDO:0010121, OMIM 274000.

Submission:

Labcorp Genetics (formerly Invitae), Labcorp
Classification: Likely pathogenic for Radial aplasia-thrombocytopenia syndrome. Last evaluated: 2019-04-27. Review status: criteria provided, single submitter. Criteria: Invitae Variant Classification Sherloc (09022015). Collection method: clinical testing. Allele origin: germline.
Comment: This variant is a deletion of the genomic region encompassing part of exon 4 (c.336_342+2del) of the RBM8A gene. It is expected to disrupt RNA splicing and likely results in an absent or disrupted protein product. This variant has not been reported in the literature in individuals with RBM8A-related conditions. Loss-of-function variants in RBM8A are known to be pathogenic (PMID: 17236129, 22366785). In summary, the currently available evidence indicates that the variant is pathogenic, but additional data are needed to prove that conclusively. Therefore, this variant has been classified as Likely Pathogenic.

Literature cited by the submitters: PubMed 17236129; PubMed 22366785.